The following is an entry in ClinVar:

ClinVar aggregate classification (germline): Uncertain significance (1 of 4 stars; one submission).

Submission:

GeneDx
Classification: Uncertain significance. Last evaluated: 2026-01-13. Review status: criteria provided, single submitter. Criteria: GeneDx Variant Classification Process June 2021. Collection method: clinical testing. Allele origin: germline.
Comment: Not observed at significant frequency in large population cohorts (gnomAD); In silico analysis supports that this missense variant has a deleterious effect on protein structure/function; Has not been previously published as pathogenic or benign to our knowledge

NM_003718.5(CDK13):c.2314A>T (p.Thr772Ser)

Gene: CDK13 (cyclin dependent kinase 13; plus strand). Cytogenetic location: 7p14.1.
Variant type: single nucleotide variant.
Coding change: c.2314A>T on transcript NM_003718.5 (MANE Select); coding-DNA position 2314, A replaced by T.
Protein change: p.Thr772Ser; replaces threonine 772 with serine.
Molecular consequence: missense variant.
Genome position (GRCh38, 1-based): chr7:40,001,992, A>T. VCF-style: chr7-40001992-A-T. GRCh37 (hg19) VCF-style: chr7-40041591-A-T.
Other names: c.2314A>T, p.Thr772Ser (NM_031267.4); short protein forms T772S.
Identifiers: ClinVar variation 2503303 (VCV002503303.2), dbSNP rs2483783425, ClinGen allele CA367290064.